The following is an entry in ClinVar:

NM_002439.5(MSH3):c.1647G>C (p.Gln549His)

Gene: MSH3 (mutS homolog 3; plus strand). Cytogenetic location: 5q14.1.
Variant type: single nucleotide variant.
Coding change: c.1647G>C on transcript NM_002439.5 (MANE Select); coding-DNA position 1647, G replaced by C.
Protein change: p.Gln549His; replaces glutamine 549 with histidine.
Molecular consequence: missense variant.
Genome position (GRCh38, 1-based): chr5:80,741,542, G>C. VCF-style: chr5-80741542-G-C. GRCh37 (hg19) VCF-style: chr5-80037361-G-C.
Other names: short protein forms Q549H.
Identifiers: ClinVar variation 1011378 (VCV001011378.8), dbSNP rs530506717, ClinGen allele CA360274587.
Genomic context (GRCh38, chr5:80,741,542, plus strand): 5'-AAGTAAAATGGAATTTATGACAATTAATGGAACAACATTAAGGAATCTGGAAATCCTACA[G>C]AATCAGGTCAGGCAAATACAAGGGCTAGTTGATTATAAATCGTTTTGGGAAAAACTTCTG-3'
Protein context (NP_002430.3, residues 539-559): GTTLRNLEIL[Gln549His]NQTDMKTKGS

ClinVar aggregate classification (germline): Uncertain significance (1 of 4 stars; one submission).

Submission:

Labcorp Genetics (formerly Invitae), Labcorp
Classification: Uncertain significance. Last evaluated: 2025-11-11. Review status: criteria provided, single submitter. Criteria: Invitae Variant Classification Sherloc (09022015). Collection method: clinical testing. Allele origin: germline.
Comment: This sequence change replaces glutamine, which is neutral and polar, with histidine, which is basic and polar, at codon 549 of the MSH3 protein (p.Gln549His). This variant is not present in population databases (gnomAD no frequency). This variant has not been reported in the literature in individuals affected with MSH3-related conditions. ClinVar contains an entry for this variant (Variation ID: 1011378). An algorithm developed to predict the effect of missense changes on protein structure and function (PolyPhen-2) suggests that this variant is likely to be disruptive. In summary, the available evidence is currently insufficient to determine the role of this variant in disease. Therefore, it has been classified as a Variant of Uncertain Significance.